The following is an entry in ClinVar:

ClinVar aggregate classification (germline): Uncertain significance (1 of 4 stars; one submission).

Conditions:
Peroxisome biogenesis disorder. Identifiers: Orphanet 79189, MedGen C1832200, MONDO:0019234. Disease mechanism: loss of function.

Submission:

Labcorp Genetics (formerly Invitae), Labcorp
Classification: Uncertain significance for Peroxisome biogenesis disorder. Last evaluated: 2022-09-13. Review status: criteria provided, single submitter. Criteria: Invitae Variant Classification Sherloc (09022015). Collection method: clinical testing. Allele origin: germline.
Comment: This sequence change replaces valine, which is neutral and non-polar, with methionine, which is neutral and non-polar, at codon 547 of the PEX6 protein (p.Val547Met). This variant is not present in population databases (gnomAD no frequency). This variant has not been reported in the literature in individuals affected with PEX6-related conditions. Advanced modeling of protein sequence and biophysical properties (such as structural, functional, and spatial information, amino acid conservation, physicochemical variation, residue mobility, and thermodynamic stability) performed at Invitae indicates that this missense variant is not expected to disrupt PEX6 protein function. In summary, the available evidence is currently insufficient to determine the role of this variant in disease. Therefore, it has been classified as a Variant of Uncertain Significance.

NM_000287.4(PEX6):c.1639G>A (p.Val547Met)

Gene: PEX6 (peroxisomal biogenesis factor 6; minus strand). Cytogenetic location: 6p21.1.
Variant type: single nucleotide variant.
Coding change: c.1639G>A on transcript NM_000287.4 (MANE Select); coding-DNA position 1639, G replaced by A.
Protein change: p.Val547Met; replaces valine 547 with methionine.
Molecular consequence: missense variant. On other transcripts: non-coding transcript variant (1).
Genome position (GRCh38, 1-based): chr6:42,968,339, C>T on the plus strand (G>A on the coding strand, the complement: PEX6 is on the minus strand). VCF-style: chr6-42968339-C-T. GRCh37 (hg19) VCF-style: chr6-42936077-C-T.
Other names: c.1375G>A, p.Val459Met (NM_001316313.2); short protein forms V459M, V547M.
Identifiers: ClinVar variation 2126525 (VCV002126525.4), dbSNP rs757202336, ClinGen allele CA364154161.
Genomic context (GRCh38, chr6:42,968,339, plus strand): 5'-TGTATAAGTACCTGTTGAGGGGGTCCTCATTGAGGAGGAGGTGACGCAGCACAGCCATCA[C>T]ACGGGCATCCTCACCCAGCCCATCACGGTCCCGGCCCAGAAGGTCCACAGCTGTGAGCAA-3'
Protein context (NP_000278.3, residues 537-557): DRDGLGEDAR[Val547Met]MAVLRHLLLN